The following is an entry in ClinVar:

ClinVar aggregate classification (germline): Uncertain significance (1 of 4 stars; one submission).

Conditions:
Charcot-Marie-Tooth disease type 2R. Also called: CHARCOT-MARIE-TOOTH DISEASE, AXONAL, AUTOSOMAL RECESSIVE, TYPE 2R; CHARCOT-MARIE-TOOTH NEUROPATHY, TYPE 2R; Charcot-Marie-Tooth disease, axonal, type 2R. Identifiers: Orphanet 397968, MedGen C3809655, MONDO:0014208, OMIM 615490.

Submission:

Labcorp Genetics (formerly Invitae), Labcorp
Classification: Uncertain significance for Charcot-Marie-Tooth disease type 2R. Last evaluated: 2023-12-30. Review status: criteria provided, single submitter. Criteria: Invitae Variant Classification Sherloc (09022015). Collection method: clinical testing. Allele origin: germline.
Comment: This sequence change replaces alanine, which is neutral and non-polar, with serine, which is neutral and polar, at codon 171 of the TRIM2 protein (p.Ala171Ser). This variant is not present in population databases (gnomAD no frequency). This variant has not been reported in the literature in individuals affected with TRIM2-related conditions. An algorithm developed to predict the effect of missense changes on protein structure and function (PolyPhen-2) suggests that this variant is likely to be tolerated. In summary, the available evidence is currently insufficient to determine the role of this variant in disease. Therefore, it has been classified as a Variant of Uncertain Significance.

NM_015271.5(TRIM2):c.592G>T (p.Ala198Ser)

Gene: TRIM2 (tripartite motif containing 2; plus strand). Cytogenetic location: 4q31.3.
Variant type: single nucleotide variant.
Coding change: c.592G>T on transcript NM_015271.5 (MANE Select); coding-DNA position 592, G replaced by T.
Protein change: p.Ala198Ser; replaces alanine 198 with serine.
Molecular consequence: missense variant. On other transcripts: intron variant (2).
Genome position (GRCh38, 1-based): chr4:153,293,120, G>T. VCF-style: chr4-153293120-G-T. GRCh37 (hg19) VCF-style: chr4-154214272-G-T.
Other names: c.253G>T, p.Ala85Ser (NM_001375523.1, NM_001375525.1, NM_001375522.1); c.454-2193G>T (NM_001375519.1); c.451-2193G>T (NM_001375520.1); c.511G>T, p.Ala171Ser (NM_001375515.1, NM_001375516.1, NM_001375517.1 and 5 more transcripts); c.682G>T, p.Ala228Ser (NM_001375489.1); c.592G>T, p.Ala198Ser (NM_001375490.1); c.589G>T, p.Ala197Ser (NM_001375491.1); c.565G>T, p.Ala189Ser (NM_001351054.2); and 3 more; short protein forms A189S, A85S, A171S, A197S, A229S, A46S, A188S, A198S.
Identifiers: ClinVar variation 2706405 (VCV002706405.3), dbSNP rs2546510064, ClinGen allele CA358471459.
Genomic context (GRCh38, chr4:153,293,120, plus strand): 5'-ACAGTTCCACTCAAGGATGTGGTGGAACAGCACAAGGCCTCGCTCCAGGTCCAGCTGGAT[G>T]CTGTCAACAAAAGGTGGGGGACCCCTCCCCAAACCCCCAACTGGCTGCCTGTACTTGAGG-3'
Protein context (NP_056086.2, residues 188-208): HKASLQVQLD[Ala198Ser]VNKRLPEIDS